The following is an entry in ClinVar:

ClinVar aggregate classification (germline): Uncertain significance. Review status: criteria provided, multiple submitters, no conflicts (2 of 4 stars). 2 submissions from 2 submitters: Uncertain significance (2). Last evaluated 2025-08-10.

Conditions:
Inborn genetic diseases. Identifiers: MedGen C0950123, MeSH D030342.

gnomAD v4.1: 7 of 1,592,906 alleles (0.00044%); highest among the groups gnomAD compares: African/African-American, 0.0094%; no homozygotes.

Submissions (2):

Ambry Genetics
Classification: Uncertain significance for Inborn genetic diseases. Last evaluated: 2025-08-10. Review status: criteria provided, single submitter. Criteria: Ambry Variant Classification Scheme 2023. Collection method: clinical testing. Allele origin: germline.

GeneDx
Classification: Uncertain significance. Last evaluated: 2025-08-09. Review status: criteria provided, single submitter. Criteria: GeneDx Variant Classification Process June 2021. Collection method: clinical testing. Allele origin: germline. Affected: yes.
Comment: In silico analysis supports that this missense variant has a deleterious effect on protein structure/function; Has not been previously published as pathogenic or benign to our knowledge; This variant is associated with the following publications: (PMID: 23962696)

NM_016156.6(MTMR2):c.470A>C (p.Asp157Ala)

Gene: MTMR2 (myotubularin related protein 2; minus strand). Cytogenetic location: 11q21.
Variant type: single nucleotide variant.
Coding change: c.470A>C on transcript NM_016156.6 (MANE Select); coding-DNA position 470, A replaced by C.
Protein change: p.Asp157Ala; replaces aspartic acid 157 with alanine.
Molecular consequence: missense variant. On other transcripts: intron variant (2).
Genome position (GRCh38, 1-based): chr11:95,858,631, T>G on the plus strand (A>C on the coding strand, the complement: MTMR2 is on the minus strand). VCF-style: chr11-95858631-T-G. GRCh37 (hg19) VCF-style: chr11-95591795-T-G.
Other names: c.254A>C, p.Asp85Ala (NM_001243571.2, NM_001440630.1, NM_001440631.1 and 11 more transcripts); c.122A>C, p.Asp41Ala (NM_001440642.1); c.470A>C, p.Asp157Ala (NM_001440647.1, NM_001440648.1, NM_001440650.1 and 1 more transcripts); c.468+3361A>C (NM_001440649.1); c.252+3361A>C (NM_001440643.1); short protein forms D85A, D157A, D41A.
Identifiers: ClinVar variation 4111899 (VCV004111899.2).